The following is an entry in ClinVar:

ClinVar aggregate classification (germline): Uncertain significance (1 of 4 stars; one submission).

Conditions:
Seizures, benign familial infantile, 3 (BFIS3). Also called: CONVULSIONS, BENIGN FAMILIAL INFANTILE, 3; Familial neonatal seizures. Identifiers: Orphanet 140927, Orphanet 306, MedGen C1843140, MONDO:0011904, OMIM 607745.
Developmental and epileptic encephalopathy, 11 (DEE11). Also called: Early infantile epileptic encephalopathy 11. Identifiers: Orphanet 1934, MedGen C3150987, MONDO:0013388, OMIM 613721.

Submission:

Labcorp Genetics (formerly Invitae), Labcorp
Classification: Uncertain significance for Seizures, benign familial infantile, 3; Developmental and epileptic encephalopathy, 11. Last evaluated: 2022-02-20. Review status: criteria provided, single submitter. Criteria: Invitae Variant Classification Sherloc (09022015). Collection method: clinical testing. Allele origin: germline.
Comment: In summary, the available evidence is currently insufficient to determine the role of this variant in disease. Therefore, it has been classified as a Variant of Uncertain Significance. Algorithms developed to predict the effect of missense changes on protein structure and function are either unavailable or do not agree on the potential impact of this missense change (SIFT: "Deleterious"; PolyPhen-2: "Probably Damaging"; Align-GVGD: "Class C0"). This variant has not been reported in the literature in individuals affected with SCN2A-related conditions. This variant is not present in population databases (gnomAD no frequency). This sequence change replaces lysine, which is basic and polar, with arginine, which is basic and polar, at codon 506 of the SCN2A protein (p.Lys506Arg).

NM_001040142.2(SCN2A):c.1517A>G (p.Lys506Arg)

Gene: SCN2A (sodium voltage-gated channel alpha subunit 2; plus strand). Cytogenetic location: 2q24.3.
Variant type: single nucleotide variant.
Coding change: c.1517A>G on transcript NM_001040142.2 (MANE Select); coding-DNA position 1517, A replaced by G.
Protein change: p.Lys506Arg; replaces lysine 506 with arginine.
Molecular consequence: missense variant.
Genome position (GRCh38, 1-based): chr2:165,315,604, A>G. VCF-style: chr2-165315604-A-G. GRCh37 (hg19) VCF-style: chr2-166172114-A-G.
Other names: c.1517A>G, p.Lys506Arg (NM_001040143.2, NM_001371246.1, NM_001371247.1 and 1 more transcripts); short protein forms K506R.
Identifiers: ClinVar variation 2100710 (VCV002100710.4), dbSNP rs2467908861, ClinGen allele CA349023287.